The following is an entry in ClinVar:

NM_058216.3(RAD51C):c.990del (p.Ser331fs)

Gene: RAD51C (RAD51 paralog C; plus strand). Cytogenetic location: 17q22.
Variant type: Deletion.
Coding change: c.990del on transcript NM_058216.3 (MANE Select); coding-DNA position 990, one base deleted (C; older notation c.990delC).
Protein change: p.Ser331fs; shifts the reading frame from serine 331.
Molecular consequence: frameshift variant. On other transcripts: non-coding transcript variant (1).
Genome position (GRCh38, 1-based): chr17:58,732,508, C deleted; the last of 3 consecutive C bases (chr17:58,732,506-58,732,508); deleting any one gives the same sequence. VCF-style (leftmost placement, unchanged base first): chr17-58732505-AC-A. GRCh37 (hg19) VCF-style: chr17-56809866-AC-A.
Other names: c.*418delC (NM_058217.1); short protein forms S331fs.
Identifiers: ClinVar variation 2722040 (VCV002722040.5), dbSNP rs2509364078, ClinGen allele CA2697560195.

ClinVar aggregate classification (germline): Likely pathogenic. Review status: criteria provided, multiple submitters, no conflicts (2 of 4 stars). 3 submissions from 3 submitters: Likely pathogenic (3). Last evaluated 2026-01-21.

Conditions:
Fanconi anemia complementation group O. Also called: RAD51C-Related Fanconi Anemia. Identifiers: Orphanet 84, MedGen C3150653, MONDO:0013248, OMIM 613390.
Breast-ovarian cancer, familial, susceptibility to, 3. Also called: RAD51C-Related Breast/Ovarian Cancer. Identifiers: Orphanet 145, MedGen C3150659, MONDO:0013253, OMIM 613399.
Hereditary cancer-predisposing syndrome. Also called: Tumor predisposition; Hereditary Cancer Syndrome; Hereditary neoplastic syndrome; Neoplastic Syndromes, Hereditary. Identifiers: Orphanet 140162, MedGen C0027672, MeSH D009386, MONDO:0015356.

Submissions (3):

Ambry Genetics
Classification: Likely pathogenic for Hereditary cancer-predisposing syndrome. Last evaluated: 2026-01-21. Review status: criteria provided, single submitter. Criteria: Ambry Variant Classification Scheme 2023. Collection method: clinical testing. Allele origin: germline.
Comment: The c.990delC variant, located in coding exon 8 of the RAD51C gene, results from a deletion of one nucleotide at nucleotide position 990, causing a translational frameshift with a predicted alternate stop codon (p.S331Afs*33). This variant occurs at the 3' terminus of the gene, is not expected to trigger nonsense-mediated mRNA decay, and impacts the last 12% of the protein. However, premature stop codons are typically deleterious in nature, the impacted region is critical for protein function, and a significant portion of the protein is affected (Ambry internal data). This variant is considered to be rare based on population cohorts in the Genome Aggregation Database (gnomAD). Based on the majority of available evidence to date, this variant is likely to be pathogenic.

Myriad Genetics, Inc.
Classification: Likely pathogenic for Breast-ovarian cancer, familial, susceptibility to, 3. Last evaluated: 2025-01-31. Review status: criteria provided, single submitter. Criteria: Myriad Autosomal Dominant, Autosomal Recessive and X-Linked Classification Criteria (2023). Collection method: clinical testing. Allele origin: unknown.
Comment: This variant is considered likely pathogenic. This variant creates a frameshift predicted to result in premature protein truncation.

Labcorp Genetics (formerly Invitae), Labcorp
Classification: Likely pathogenic for Fanconi anemia complementation group O. Last evaluated: 2024-07-22. Review status: criteria provided, single submitter. Criteria: Invitae Variant Classification Sherloc (09022015). Collection method: clinical testing. Allele origin: germline.
Comment: This sequence change creates a premature translational stop signal (p.Ser331Alafs*33) in the RAD51C gene. While this is not anticipated to result in nonsense mediated decay, it is expected to disrupt the last 46 amino acid(s) of the RAD51C protein. This variant is not present in population databases (gnomAD no frequency). This variant has not been reported in the literature in individuals affected with RAD51C-related conditions. This variant disrupts the nuclear localization signal (NLS) of the RAD51C protein, which is important for proper localization and function of the RAD51C protein (PMID:12966089). While functional studies have not been performed to directly test the effect of this variant on RAD51C protein function, this suggests that disruption of this region of the protein is causative of disease. In summary, the currently available evidence indicates that the variant is pathogenic, but additional data are needed to prove that conclusively. Therefore, this variant has been classified as Likely Pathogenic.

Literature cited by the submitters: PubMed 12966089 (cited by Labcorp Genetics (formerly Invitae), Labcorp).